The following is an entry in ClinVar:

ClinVar aggregate classification (germline): Uncertain significance (1 of 4 stars; one submission).

Submission:

Labcorp Genetics (formerly Invitae), Labcorp
Classification: Uncertain significance. Last evaluated: 2022-10-17. Review status: criteria provided, single submitter. Criteria: Invitae Variant Classification Sherloc (09022015). Collection method: clinical testing. Allele origin: germline.
Comment: This sequence change replaces aspartic acid, which is acidic and polar, with glycine, which is neutral and non-polar, at codon 2 of the WDR73 protein (p.Asp2Gly). This variant is not present in population databases (gnomAD no frequency). This variant has not been reported in the literature in individuals affected with WDR73-related conditions. Algorithms developed to predict the effect of missense changes on protein structure and function (SIFT, PolyPhen-2, Align-GVGD) all suggest that this variant is likely to be tolerated. Algorithms developed to predict the effect of sequence changes on RNA splicing suggest that this variant may create or strengthen a splice site. In summary, the available evidence is currently insufficient to determine the role of this variant in disease. Therefore, it has been classified as a Variant of Uncertain Significance.

NM_032856.5(WDR73):c.5A>G (p.Asp2Gly)

Gene: WDR73 (WD repeat domain 73; minus strand). Cytogenetic location: 15q25.2.
Variant type: single nucleotide variant.
Coding change: c.5A>G on transcript NM_032856.5 (MANE Select); coding-DNA position 5, A replaced by G.
Protein change: p.Asp2Gly; replaces aspartic acid 2 with glycine.
Molecular consequence: missense variant. On other transcripts: non-coding transcript variant (4).
Genome position (GRCh38, 1-based): chr15:84,654,270, T>C on the plus strand (A>G on the coding strand, the complement: WDR73 is on the minus strand). VCF-style: chr15-84654270-T-C. GRCh37 (hg19) VCF-style: chr15-85197501-T-C.
Other names: short protein forms D2G.
Identifiers: ClinVar variation 2115641 (VCV002115641.4), dbSNP rs745828681, ClinGen allele CA393332680.